The following is an entry in ClinVar:

ClinVar aggregate classification (germline): Uncertain significance. Review status: criteria provided, multiple submitters, no conflicts (2 of 4 stars). 3 submissions from 3 submitters: Uncertain significance (3). Last evaluated 2025-12-05.

Conditions:
Bardet-Biedl syndrome (BBS). Identifiers: Orphanet 110, MedGen C0752166, MONDO:0015229.
WDPCP-related disorder. Also called: WDPCP-related condition.
Bardet-Biedl syndrome 15 (BBS15). Identifiers: Orphanet 110, MedGen C3150127, MONDO:0014443, OMIM 615992.
Heart defect - tongue hamartoma - polysyndactyly syndrome. Also called: Congenital heart defects, hamartomas of tongue, and polysyndactyly. Identifiers: Orphanet 1338, MedGen C1857587, MONDO:0009008, OMIM 217085.

Allele frequency attached by ClinVar (database versions not stated): TOPMed below 0.00001; gnomAD 0.00001; gnomAD exomes 0.00001.
gnomAD v4.1: 28 of 1,612,416 alleles (0.0017%); highest among the groups gnomAD compares: Non-Finnish European, 0.002%; no homozygotes.

Submissions (3):

PreventionGenetics, part of Exact Sciences
Classification: Uncertain significance for WDPCP-related condition. Last evaluated: 2025-12-05. Review status: criteria provided, single submitter. Criteria: ACMG Guidelines, 2015. Collection method: clinical testing. Allele origin: germline.
Comment: The WDPCP c.316G>C variant is predicted to result in the amino acid substitution p.Glu106Gln. To our knowledge, this variant has not been reported in the literature. This variant is reported in 0.0016% of alleles in individuals of European (Non-Finnish) descent in gnomAD. At this time, the clinical significance of this variant is uncertain due to the absence of conclusive functional and genetic evidence.

Fulgent Genetics
Classification: Uncertain significance for Heart defect - tongue hamartoma - polysyndactyly syndrome; Bardet-Biedl syndrome 15. Last evaluated: 2024-04-09. Review status: criteria provided, single submitter. Criteria: ACMG Guidelines, 2015. Collection method: clinical testing. Allele origin: germline.

Labcorp Genetics (formerly Invitae), Labcorp
Classification: Uncertain significance for Bardet-Biedl syndrome. Last evaluated: 2022-01-28. Review status: criteria provided, single submitter. Criteria: Invitae Variant Classification Sherloc (09022015). Collection method: clinical testing. Allele origin: germline.
Comment: This variant has not been reported in the literature in individuals affected with WDPCP-related conditions. This variant is present in population databases (no rsID available, gnomAD 0.002%). This sequence change replaces glutamic acid, which is acidic and polar, with glutamine, which is neutral and polar, at codon 106 of the WDPCP protein (p.Glu106Gln). In summary, the available evidence is currently insufficient to determine the role of this variant in disease. Therefore, it has been classified as a Variant of Uncertain Significance. Algorithms developed to predict the effect of missense changes on protein structure and function are either unavailable or do not agree on the potential impact of this missense change (SIFT: "Deleterious"; PolyPhen-2: "Probably Damaging"; Align-GVGD: "Class C0"). ClinVar contains an entry for this variant (Variation ID: 963529).

NM_015910.7(WDPCP):c.316G>C (p.Glu106Gln)

Gene: WDPCP (WD repeat containing planar cell polarity effector; minus strand). Cytogenetic location: 2p15.
Variant type: single nucleotide variant.
Coding change: c.316G>C on transcript NM_015910.7 (MANE Select); coding-DNA position 316, G replaced by C.
Protein change: p.Glu106Gln; replaces glutamic acid 106 with glutamine.
Molecular consequence: missense variant. On other transcripts: non-coding transcript variant (2).
Genome position (GRCh38, 1-based): chr2:63,484,925, C>G on the plus strand (G>C on the coding strand, the complement: WDPCP is on the minus strand). VCF-style: chr2-63484925-C-G. GRCh37 (hg19) VCF-style: chr2-63712059-C-G.
Other names: c.244G>C, p.Glu82Gln (NM_001354044.2); c.316G>C, p.Glu106Gln (NM_001354045.2); short protein forms E82Q, E106Q.
Identifiers: ClinVar variation 963529 (VCV000963529.9), dbSNP rs1444169850, ClinGen allele CA347065928.
Genomic context (GRCh38, chr2:63,484,925, plus strand): 5'-GTTTTAAAAACAGATTTGTTTGTTGCCATTTTTGAAACTTTTTGAAAGATACCTCCAACT[C>G]TTTGAGCGAGTCTCGGAGTTTTTCTGGGCGTCTGTTTTTGAGCGTCCAAGGATAATCTCG-3'
Protein context (NP_056994.3, residues 96-116): RPEKLRDSLK[Glu106Gln]LEELMQNSRC